The following is an entry in ClinVar:

ClinVar aggregate classification (germline): Conflicting classifications of pathogenicity. Review status: criteria provided, conflicting classifications (1 of 4 stars). 6 submissions from 6 submitters: Uncertain significance (2); Likely benign (3). 1 of the submissions does not count toward it. Last evaluated 2024-08-01.

Conditions:
Familial ovarian cancer. Identifiers: MedGen C5679802, MONDO:0016248.
Breast and/or ovarian cancer. Identifiers: MedGen CN221562.
Hereditary cancer-predisposing syndrome. Also called: Tumor predisposition; Hereditary Cancer Syndrome; Neoplastic Syndromes, Hereditary; Hereditary neoplastic syndrome. Identifiers: Orphanet 140162, MedGen C0027672, MeSH D009386, MONDO:0015356.
Familial cancer of breast. Also called: Hereditary breast cancer; hereditary breast carcinoma; BREAST CANCER, FAMILIAL. Identifiers: Orphanet 227535, MedGen C0346153, MONDO:0016419, OMIM 114480. Disease mechanism: loss of function.
Ataxia-telangiectasia syndrome (AT). Also called: Cerebello-oculocutaneous telangiectasia; Immunodeficiency with ataxia telangiectasia; Ataxia-telangiectasia, complementation group D; AT, COMPLEMENTATION GROUP C; Ataxia-telangiectasia, complementation group E; LOUIS-BAR SYNDROME. Identifiers: Orphanet 100, MedGen C0004135, MONDO:0008840, OMIM 208900.

Allele frequency attached by ClinVar (database versions not stated): gnomAD exomes below 0.00001 and 0.00001; ExAC 0.00001.
gnomAD v4.1: 1 of 1,613,604 alleles (0.000062%); highest among the groups gnomAD compares: Non-Finnish European, 0.000085%; no homozygotes.

Submissions (6):

Labcorp Genetics (formerly Invitae), Labcorp
Classification: Likely benign for Ataxia-telangiectasia syndrome. Last evaluated: 2024-08-01. Review status: criteria provided, single submitter. Criteria: Invitae Variant Classification Sherloc (09022015). Collection method: clinical testing. Allele origin: germline.

Myriad Genetics, Inc.
Classification: Likely benign for Familial cancer of breast. Last evaluated: 2024-05-16. Review status: criteria provided, single submitter. Criteria: Myriad Autosomal Dominant, Autosomal Recessive and X-Linked Classification Criteria (2023). Collection method: clinical testing. Allele origin: unknown.
Comment: This variant is considered likely benign. This variant is intronic and is not expected to impact mRNA splicing.

Sema4
Classification: Uncertain significance for Hereditary cancer-predisposing syndrome. Last evaluated: 2021-10-31. Review status: criteria provided, single submitter. Criteria: Sema4 Curation Guidelines. Collection method: curation. Allele origin: germline.
Comment: The ATM c.4110-4T>C variant has not been reported in literature to our knowledge. This variant was observed in 2/113652 chromosomes in Non-Finnish European population according to the Genome Aggregation Database (PMID: 32461654). This variant has been reported in ClinVar (Variation ID 453502). In silico tools that predict the effect of sequence changes on splicing suggest that this variant may not impact splicing though these predictions have not been confirmed by functional studies. The overall evidence is insufficient to meet ACMG/AMP criteria for classifying it as benign or pathogenic. In summary, the clinical significance of this variant is currently uncertain.

CHEO Genetics Diagnostic Laboratory, Children's Hospital of Eastern Ontario
Classification: Uncertain significance for Breast and/or ovarian cancer. Last evaluated: 2020-02-21. Review status: criteria provided, single submitter. Criteria: ACMG Guidelines, 2015. Collection method: clinical testing. Allele origin: germline.

Ambry Genetics
Classification: Likely benign for Hereditary cancer-predisposing syndrome. Last evaluated: 2019-09-05. Review status: criteria provided, single submitter. Criteria: Ambry Variant Classification Scheme 2023. Collection method: clinical testing. Allele origin: germline.

Department of Pathology and Laboratory Medicine, Sinai Health System
Classification: Uncertain significance for Familial ovarian cancer. Review status: no assertion criteria provided. Collection method: clinical testing. Allele origin: unknown. Affected: yes. Observed: 1 variant allele. Study: The Canadian Open Genetics Repository (COGR). Not counted in ClinVar's aggregate classification.
Comment: The ATM c.4110-4T>C variant was not identified in the literature nor was it identified in the LOVD 3.0, database. The variant was identified in dbSNP (ID: rs777186156) as "With Uncertain significance allele", and in ClinVar (classified as likely benign by Invitae; as uncertain significance by Ambry Genetics). The variant was identified in control databases in 2 of 246126 chromosomes at a frequency of 0.000008 (Genome Aggregation Database Feb 27, 2017). The variant was observed in European population in 2 of 111608 chromosomes (freq: 0.00002), while the variant was not observed in the African, Other, Latino, Ashkenazi Jewish, East Asian, Finnish, and South Asian populations. The c.4110-4T>C variant is located in the 3' splice region but does not affect the invariant -1 and -2 positions. However, positions -3 and -5 to -12 are part of the splicing consensus sequence and variants involving these positions sometimes affect splicing. However, in silico or computational prediction software programs (SpliceSiteFinder, MaxEntScan, NNSPLICE, GeneSplicer) do not predict a difference in splicing In summary, based on the above information the clinical significance of this variant cannot be determined with certainty at this time. This variant is classified as a variant of uncertain significance.

NM_000051.4(ATM):c.4110-4T>C

Gene: ATM (ATM serine/threonine kinase; plus strand). Cytogenetic location: 11q22.3.
Variant type: single nucleotide variant.
Coding change: c.4110-4T>C on transcript NM_000051.4 (MANE Select); 4 bases into the intron before coding-DNA position 4110, T replaced by C.
Molecular consequence: intron variant.
Genome position (GRCh38, 1-based): chr11:108,288,973, T>C. VCF-style: chr11-108288973-T-C. GRCh37 (hg19) VCF-style: chr11-108159700-T-C.
Other names: c.4110-4T>C (NM_001351834.2).
Identifiers: ClinVar variation 453502 (VCV000453502.19), dbSNP rs777186156, ClinGen allele CA6265405.